The following is an entry in ClinVar:

NM_080425.4(GNAS):c.745G>C (p.Val249Leu)

Gene: GNAS (GNAS complex locus; plus strand). Cytogenetic location: 20q13.32.
Variant type: single nucleotide variant.
Coding change: c.745G>C on transcript NM_080425.4 (MANE Plus Clinical); coding-DNA position 745, G replaced by C.
Protein change: p.Val249Leu; replaces valine 249 with leucine.
Molecular consequence: missense variant. On other transcripts: intron variant (3).
Genome position (GRCh38, 1-based): chr20:58,854,010, G>C. VCF-style: chr20-58854010-G-C. GRCh37 (hg19) VCF-style: chr20-57429065-G-C.
Other names: c.558G>C, p.Lys186Asn (NM_001077490.3, NM_001309883.1); c.745G>C, p.Val249Leu (NM_001410913.1); c.*42+13124G>C (NM_016592.5); c.43+13124G>C (NM_001410912.1); c.-39+12135G>C (NM_001309861.2); short protein forms K186N, V249L.
Identifiers: ClinVar variation 2631907 (VCV002631907.4), dbSNP rs756367665, ClinGen allele CA9926536.

ClinVar aggregate classification (germline): Uncertain significance (1 of 4 stars; one submission).

Conditions:
GNAS-related disorder. Identifiers: MedGen CN380105.

Allele frequency attached by ClinVar (database versions not stated): gnomAD exomes 0.00001; gnomAD 0.00003; ExAC 0.00002; TOPMed 0.00006.
gnomAD v4.1: 17 of 1,611,658 alleles (0.0011%); highest among the groups gnomAD compares: Admixed American, 0.017%; no homozygotes.

Submission:

PreventionGenetics, part of Exact Sciences
Classification: Uncertain significance for GNAS-related condition. Last evaluated: 2026-03-21. Review status: criteria provided, single submitter. Criteria: ACMG Guidelines, 2015. Collection method: clinical testing. Allele origin: germline.
Comment: The GNAS c.745G>C variant is predicted to result in the amino acid substitution p.Val249Leu. In the primary transcript NM_000516, this variant is pre-coding (c.-37717G>C). To our knowledge, this variant has not been reported in the literature. This variant is reported in 0.0059% of alleles in individuals of Latino descent in gnomAD. At this time, the clinical significance of this variant is uncertain due to the absence of conclusive functional and genetic evidence.